The following is an entry in ClinVar:

NM_182931.3(KMT2E):c.5318C>T (p.Pro1773Leu)

Gene: KMT2E (lysine methyltransferase 2E (inactive); plus strand). Cytogenetic location: 7q22.3.
Variant type: single nucleotide variant.
Coding change: c.5318C>T on transcript NM_182931.3 (MANE Select); coding-DNA position 5318, C replaced by T.
Protein change: p.Pro1773Leu; replaces proline 1773 with leucine.
Molecular consequence: missense variant.
Genome position (GRCh38, 1-based): chr7:105,113,074, C>T. VCF-style: chr7-105113074-C-T. GRCh37 (hg19) VCF-style: chr7-104753521-C-T.
Other names: c.5318C>T (NM_182931.2); c.5192C>T, p.Pro1731Leu (NM_001410908.1); c.5318C>T, p.Pro1773Leu (NM_018682.4); short protein forms P1731L, P1773L.
Identifiers: ClinVar variation 2713592 (VCV002713592.4), dbSNP rs770169862, ClinGen allele CA4424961.

ClinVar aggregate classification (germline): Uncertain significance. Review status: criteria provided, multiple submitters, no conflicts (2 of 4 stars). 2 submissions from 2 submitters: Uncertain significance (2). Last evaluated 2025-10-20.

Conditions:
KMT2E-related disorder. Also called: KMT2E-related condition.

Allele frequency attached by ClinVar (database versions not stated): gnomAD exomes 0.00002; ExAC 0.00004; gnomAD 0.00005; TOPMed 0.00015.
gnomAD v4.1: 43 of 1,613,968 alleles (0.0027%); highest among the groups gnomAD compares: Admixed American, 0.027%; no homozygotes.

Submissions (2):

Labcorp Genetics (formerly Invitae), Labcorp
Classification: Uncertain significance. Last evaluated: 2025-10-20. Review status: criteria provided, single submitter. Criteria: Invitae Variant Classification Sherloc (09022015). Collection method: clinical testing. Allele origin: germline.
Comment: This sequence change replaces proline, which is neutral and non-polar, with leucine, which is neutral and non-polar, at codon 1773 of the KMT2E protein (p.Pro1773Leu). This variant is present in population databases (rs770169862, gnomAD 0.02%). This variant has not been reported in the literature in individuals affected with KMT2E-related conditions. ClinVar contains an entry for this variant (Variation ID: 2713592). An algorithm developed to predict the effect of missense changes on protein structure and function outputs the following: PolyPhen-2: "Benign". The leucine amino acid residue is found in multiple mammalian species, which suggests that this missense change does not adversely affect protein function. In summary, the available evidence is currently insufficient to determine the role of this variant in disease. Therefore, it has been classified as a Variant of Uncertain Significance.

PreventionGenetics, part of Exact Sciences
Classification: Uncertain significance for KMT2E-related condition. Last evaluated: 2025-04-24. Review status: criteria provided, single submitter. Criteria: ACMG Guidelines, 2015. Collection method: clinical testing. Allele origin: germline.
Comment: The KMT2E c.5318C>T variant is predicted to result in the amino acid substitution p.Pro1773Leu. To our knowledge, this variant has not been reported in the literature. This variant is reported in 0.026% of alleles in individuals of Latino descent in gnomAD. Although we suspect that this variant may be benign, at this time, the clinical significance of this variant is uncertain due to the absence of conclusive functional and genetic evidence.